The following is an entry in ClinVar:

ClinVar aggregate classification (germline): Uncertain significance (1 of 4 stars; one submission).

Allele frequency attached by ClinVar (database versions not stated): gnomAD exomes below 0.00001; TOPMed below 0.00001; gnomAD 0.00001.
gnomAD v4.1: 2 of 1,611,644 alleles (0.00012%); no homozygotes.

Submission:

Labcorp Genetics (formerly Invitae), Labcorp
Classification: Uncertain significance. Last evaluated: 2022-06-22. Review status: criteria provided, single submitter. Criteria: Invitae Variant Classification Sherloc (09022015). Collection method: clinical testing. Allele origin: germline.
Comment: This sequence change replaces glutamine, which is neutral and polar, with lysine, which is basic and polar, at codon 915 of the LRP5 protein (p.Gln915Lys). This variant is not present in population databases (gnomAD no frequency). This variant has not been reported in the literature in individuals affected with LRP5-related conditions. Algorithms developed to predict the effect of missense changes on protein structure and function (SIFT, PolyPhen-2, Align-GVGD) all suggest that this variant is likely to be tolerated. In summary, the available evidence is currently insufficient to determine the role of this variant in disease. Therefore, it has been classified as a Variant of Uncertain Significance.

NM_002335.4(LRP5):c.2743C>A (p.Gln915Lys)

Gene: LRP5 (LDL receptor related protein 5; plus strand). Cytogenetic location: 11q13.2.
Variant type: single nucleotide variant.
Coding change: c.2743C>A on transcript NM_002335.4 (MANE Select); coding-DNA position 2743, C replaced by A.
Protein change: p.Gln915Lys; replaces glutamine 915 with lysine.
Molecular consequence: missense variant.
Genome position (GRCh38, 1-based): chr11:68,413,928, C>A. VCF-style: chr11-68413928-C-A. GRCh37 (hg19) VCF-style: chr11-68181396-C-A.
Other names: c.1000C>A, p.Gln334Lys (NM_001291902.2); short protein forms Q915K, Q334K.
Identifiers: ClinVar variation 2009245 (VCV002009245.4), dbSNP rs1219149979, ClinGen allele CA381618861.